The following is an entry in ClinVar:

NM_000079.4(CHRNA1):c.450C>G (p.Ile150Met)

Gene: CHRNA1 (cholinergic receptor nicotinic alpha 1 subunit; minus strand). Cytogenetic location: 2q31.1.
Variant type: single nucleotide variant.
Coding change: c.450C>G on transcript NM_000079.4 (MANE Select); coding-DNA position 450, C replaced by G.
Protein change: p.Ile150Met; replaces isoleucine 150 with methionine.
Molecular consequence: missense variant.
Genome position (GRCh38, 1-based): chr2:174,754,309, G>C on the plus strand (C>G on the coding strand, the complement: CHRNA1 is on the minus strand). VCF-style: chr2-174754309-G-C. GRCh37 (hg19) VCF-style: chr2-175619037-G-C.
Other names: c.525C>G, p.Ile175Met (NM_001039523.3); short protein forms I150M, I175M.
Identifiers: ClinVar variation 859574 (VCV000859574.13), dbSNP rs200163630, ClinGen allele CA1974550.

ClinVar aggregate classification (germline): Uncertain significance. Review status: criteria provided, multiple submitters, no conflicts (2 of 4 stars). 3 submissions from 3 submitters: Uncertain significance (3). Last evaluated 2023-08-10.

Conditions:
Inborn genetic diseases. Identifiers: MedGen C0950123, MeSH D030342.
Lethal multiple pterygium syndrome (LMPS). Identifiers: Orphanet 33108, MedGen C1854678, MONDO:0009668, OMIM 253290.

Allele frequency attached by ClinVar (database versions not stated): gnomAD 0.00001; TOPMed 0.00001; ExAC 0.00002; gnomAD exomes 0.00002; ESP Exome Variant Server 0.00008.

Submissions (3):

Ambry Genetics
Classification: Uncertain significance for Inborn genetic diseases. Last evaluated: 2023-08-10. Review status: criteria provided, single submitter. Criteria: Ambry Variant Classification Scheme 2023. Collection method: clinical testing. Allele origin: germline.

Revvity Omics, Revvity
Classification: Uncertain significance. Last evaluated: 2023-04-10. Review status: criteria provided, single submitter. Criteria: ACMG Guidelines, 2015. Collection method: clinical testing. Allele origin: germline.

Labcorp Genetics (formerly Invitae), Labcorp
Classification: Uncertain significance for Lethal multiple pterygium syndrome. Last evaluated: 2023-03-10. Review status: criteria provided, single submitter. Criteria: Invitae Variant Classification Sherloc (09022015). Collection method: clinical testing. Allele origin: germline.
Comment: In summary, the available evidence is currently insufficient to determine the role of this variant in disease. Therefore, it has been classified as a Variant of Uncertain Significance. Advanced modeling of protein sequence and biophysical properties (such as structural, functional, and spatial information, amino acid conservation, physicochemical variation, residue mobility, and thermodynamic stability) performed at Invitae indicates that this missense variant is not expected to disrupt CHRNA1 protein function. ClinVar contains an entry for this variant (Variation ID: 859574). This variant has not been reported in the literature in individuals affected with CHRNA1-related conditions. This variant is present in population databases (rs200163630, gnomAD 0.005%). This sequence change replaces isoleucine, which is neutral and non-polar, with methionine, which is neutral and non-polar, at codon 150 of the CHRNA1 protein (p.Ile150Met).